The following is an entry in ClinVar:

NM_004360.5(CDH1):c.1001A>G (p.Asp334Gly)

Gene: CDH1 (cadherin 1; plus strand). Cytogenetic location: 16q22.1.
Variant type: single nucleotide variant.
Coding change: c.1001A>G on transcript NM_004360.5 (MANE Select); coding-DNA position 1001, A replaced by G.
Protein change: p.Asp334Gly; replaces aspartic acid 334 with glycine.
Molecular consequence: missense variant. On other transcripts: 5 prime UTR variant (2).
Genome position (GRCh38, 1-based): chr16:68,811,852, A>G. VCF-style: chr16-68811852-A-G. GRCh37 (hg19) VCF-style: chr16-68845755-A-G.
Other names: c.1001A>G, p.Asp334Gly (NM_001317184.2); c.-615A>G (NM_001317185.2); c.-819A>G (NM_001317186.2); short protein forms D334G.
Identifiers: ClinVar variation 2855991 (VCV002855991.4), dbSNP rs2152132159, ClinGen allele CA396459892.

ClinVar aggregate classification (germline): Uncertain significance. Review status: criteria provided, multiple submitters, no conflicts (2 of 4 stars). 2 submissions from 2 submitters: Uncertain significance (2). Last evaluated 2025-08-24.

Conditions:
Hereditary cancer-predisposing syndrome. Also called: Hereditary Cancer Syndrome; Hereditary neoplastic syndrome; Neoplastic Syndromes, Hereditary; Tumor predisposition. Identifiers: Orphanet 140162, MedGen C0027672, MeSH D009386, MONDO:0015356.
Hereditary diffuse gastric adenocarcinoma (HDGC). Also called: DIFFUSE GASTRIC AND LOBULAR BREAST CANCER SYNDROME. Identifiers: Orphanet 26106, MedGen C1708349, MONDO:0007648, OMIM 137215.

Submissions (2):

Ambry Genetics
Classification: Uncertain significance for Hereditary cancer-predisposing syndrome. Last evaluated: 2025-08-24. Review status: criteria provided, single submitter. Criteria: Ambry Variant Classification Scheme 2023. Collection method: clinical testing. Allele origin: germline.
Comment: The p.D334G variant (also known as c.1001A>G), located in coding exon 7 of the CDH1 gene, results from an A to G substitution at nucleotide position 1001. The aspartic acid at codon 334 is replaced by glycine, an amino acid with similar properties. This amino acid position is conserved. In addition, this alteration is predicted to be deleterious by in silico analysis. Based on the available evidence, the clinical significance of this variant remains unclear.

Labcorp Genetics (formerly Invitae), Labcorp
Classification: Uncertain significance for Hereditary diffuse gastric adenocarcinoma. Last evaluated: 2024-04-10. Review status: criteria provided, single submitter. Criteria: Invitae Variant Classification Sherloc (09022015). Collection method: clinical testing. Allele origin: germline.
Comment: This sequence change replaces aspartic acid, which is acidic and polar, with glycine, which is neutral and non-polar, at codon 334 of the CDH1 protein (p.Asp334Gly). This variant is not present in population databases (gnomAD no frequency). This variant has not been reported in the literature in individuals affected with CDH1-related conditions. An algorithm developed to predict the effect of missense changes on protein structure and function (PolyPhen-2) suggests that this variant is likely to be disruptive. Algorithms developed to predict the effect of sequence changes on RNA splicing suggest that this variant may disrupt the consensus splice site. In summary, the available evidence is currently insufficient to determine the role of this variant in disease. Therefore, it has been classified as a Variant of Uncertain Significance.